The following is an entry in ClinVar:

ClinVar aggregate classification (germline): Conflicting classifications of pathogenicity. Review status: criteria provided, conflicting classifications (1 of 4 stars). 10 submissions from 10 submitters: Uncertain significance (1); Benign (1); Likely benign (6). 2 of the submissions do not count toward it. Last evaluated 2026-01-19.

Conditions:
Autoinflammatory syndrome. Identifiers: Orphanet 93665, MedGen C3890737, MONDO:0019751.
Inborn genetic diseases. Identifiers: MedGen C0950123, MeSH D030342.
Familial Mediterranean fever (FMF). Also called: POLYSEROSITIS, FAMILIAL PAROXYSMAL; POLYSEROSITIS, RECURRENT; Periodic peritonitis; Benign paroxysmal peritonitis. Identifiers: Orphanet 342, MedGen C0031069, MONDO:0018088, OMIM 249100. Disease mechanism: gain of function.

Allele frequency attached by ClinVar (database versions not stated): TOPMed 0.00002; gnomAD 0.00003 and 0.00005; gnomAD exomes 0.00012 and 0.00018; ExAC 0.00026.
gnomAD v4.1: 203 of 1,614,046 alleles (0.013%); highest among the groups gnomAD compares: Middle Eastern, 0.082%; no homozygotes.

Submissions (10):

Labcorp Genetics (formerly Invitae), Labcorp
Classification: Likely benign for Familial Mediterranean fever. Last evaluated: 2026-01-19. Review status: criteria provided, single submitter. Criteria: Invitae Variant Classification Sherloc (09022015). Collection method: clinical testing. Allele origin: germline.

Blueprint Genetics
Classification: Likely benign. Last evaluated: 2024-09-12. Review status: criteria provided, single submitter. Criteria: ACMG Guidelines, 2015. Collection method: clinical testing. Allele origin: germline.

Ambry Genetics
Classification: Likely benign for Inborn genetic diseases. Last evaluated: 2023-08-29. Review status: criteria provided, single submitter. Criteria: Ambry Variant Classification Scheme 2023. Collection method: clinical testing. Allele origin: germline.

CeGaT Center for Human Genetics Tuebingen
Classification: Likely benign. Last evaluated: 2023-06-01. Review status: criteria provided, single submitter. Criteria: CeGaT Center For Human Genetics Tuebingen Variant Classification Criteria Version 2. Collection method: clinical testing. Allele origin: germline. Affected: yes. Observed: 1 variant allele.
Comment: MEFV: BP4, BP7

Genome Diagnostics Laboratory, The Hospital for Sick Children
Classification: Uncertain significance for Autoinflammatory syndrome. Last evaluated: 2021-10-21. Review status: criteria provided, single submitter. Criteria: ACMG Guidelines, 2015. Collection method: clinical testing. Allele origin: germline. Affected: yes.

ARUP Laboratories, Molecular Genetics and Genomics, ARUP Laboratories
Classification: Benign. Last evaluated: 2020-05-28. Review status: criteria provided, single submitter. Criteria: ARUP Molecular Germline Variant Investigation Process. Collection method: clinical testing. Allele origin: germline.

GeneDx
Classification: Likely benign. Last evaluated: 2020-02-17. Review status: criteria provided, single submitter. Criteria: GeneDx Variant Classification Process June 2021. Collection method: clinical testing. Allele origin: germline. Affected: yes.
Comment: This variant is associated with the following publications: (PMID: 9668175)

Women's Health and Genetics/Laboratory Corporation of America, LabCorp
Classification: Likely benign. Last evaluated: 2019-08-28. Review status: criteria provided, single submitter. Criteria: LabCorp Variant Classification Summary - May 2015. Collection method: clinical testing. Allele origin: germline.

Natera, Inc.
Classification: Likely benign for Familial Mediterranean fever. Last evaluated: 2020-02-07. Review status: no assertion criteria provided. Collection method: clinical testing. Allele origin: germline. Not counted in ClinVar's aggregate classification.

Unité médicale des maladies autoinflammatoires, CHRU Montpellier
No classification provided. Condition: Familial Mediterranean fever. Review status: no classification provided. Collection method: not provided. Allele origin: unknown. Not counted in ClinVar's aggregate classification.

NM_000243.3(MEFV):c.195C>T (p.Tyr65=)

Gene: MEFV (MEFV innate immunity regulator, pyrin; minus strand). Cytogenetic location: 16p13.3.
Variant type: single nucleotide variant.
Coding change: c.195C>T on transcript NM_000243.3 (MANE Select); coding-DNA position 195, C replaced by T.
Protein change: p.Tyr65=; no amino-acid change (tyrosine 65 retained).
Molecular consequence: synonymous variant.
Genome position (GRCh38, 1-based): chr16:3,256,393, G>A on the plus strand (C>T on the coding strand, the complement: MEFV is on the minus strand). VCF-style: chr16-3256393-G-A. GRCh37 (hg19) VCF-style: chr16-3306393-G-A.
Other names: c.195C>T, p.Tyr65= (NM_001198536.2).
Identifiers: ClinVar variation 97474 (VCV000097474.62), dbSNP rs104895077, ClinGen allele CA280475.
Genomic context (GRCh38, chr16:3,256,393, plus strand): 5'-CTCCTCGGCCAGCAGGCGCTGGTTGATGGCCCGCAGGACCTGCAGGGTGAGCTGCACGGC[G>A]TACTCTTCCCCATAGTAGGTGACCAGCAGAGTGGCCATCTTCACCGGCCTGGCTCTCTGG-3'
Protein context (NP_000234.1, residues 55-75): TLLVTYYGEE[Tyr65=]AVQLTLQVLR